The following is an entry in ClinVar:

NM_000334.4(SCN4A):c.904G>A (p.Gly302Ser)

Gene: SCN4A (sodium voltage-gated channel alpha subunit 4; minus strand). Cytogenetic location: 17q23.3.
Variant type: single nucleotide variant.
Coding change: c.904G>A on transcript NM_000334.4 (MANE Select); coding-DNA position 904, G replaced by A.
Protein change: p.Gly302Ser; replaces glycine 302 with serine.
Molecular consequence: missense variant.
Genome position (GRCh38, 1-based): chr17:63,968,155, C>T on the plus strand (G>A on the coding strand, the complement: SCN4A is on the minus strand). VCF-style: chr17-63968155-C-T. GRCh37 (hg19) VCF-style: chr17-62045515-C-T.
Other names: short protein forms G302S.
Identifiers: ClinVar variation 845660 (VCV000845660.9), dbSNP rs756852107, ClinGen allele CA8710008.

ClinVar aggregate classification (germline): Uncertain significance. Review status: criteria provided, multiple submitters, no conflicts (2 of 4 stars). 2 submissions from 2 submitters: Uncertain significance (2). Last evaluated 2025-05-17.

Conditions:
Inborn genetic diseases. Identifiers: MedGen C0950123, MeSH D030342.
Hyperkalemic periodic paralysis. Also called: Familial hyperkalemic periodic paralysis; Gamstorp disease. Identifiers: Orphanet 682, MedGen C0238357, MONDO:0008224, OMIM 170500, HP:0007215.

Allele frequency attached by ClinVar (database versions not stated): gnomAD 0.00001; gnomAD exomes 0.00001 and 0.00002; TOPMed 0.00003; ExAC 0.00004.
gnomAD v4.1: 14 of 1,613,928 alleles (0.00087%); highest among the groups gnomAD compares: East Asian, 0.013%; no homozygotes.

Submissions (2):

Labcorp Genetics (formerly Invitae), Labcorp
Classification: Uncertain significance for Hyperkalemic periodic paralysis. Last evaluated: 2025-05-17. Review status: criteria provided, single submitter. Criteria: Invitae Variant Classification Sherloc (09022015). Collection method: clinical testing. Allele origin: germline.
Comment: This sequence change replaces glycine, which is neutral and non-polar, with serine, which is neutral and polar, at codon 302 of the SCN4A protein (p.Gly302Ser). The frequency data for this variant in the population databases is considered unreliable, as metrics indicate poor data quality at this position in the gnomAD database. This variant has not been reported in the literature in individuals affected with SCN4A-related conditions. ClinVar contains an entry for this variant (Variation ID: 845660). Invitae Evidence Modeling of protein sequence and biophysical properties (such as structural, functional, and spatial information, amino acid conservation, physicochemical variation, residue mobility, and thermodynamic stability) indicates that this missense variant is not expected to disrupt SCN4A protein function with a negative predictive value of 95%. In summary, the available evidence is currently insufficient to determine the role of this variant in disease. Therefore, it has been classified as a Variant of Uncertain Significance.

Ambry Genetics
Classification: Uncertain significance for Inborn genetic diseases. Last evaluated: 2025-04-30. Review status: criteria provided, single submitter. Criteria: Ambry Variant Classification Scheme 2023. Collection method: clinical testing. Allele origin: germline.